The following is an entry in ClinVar:

ClinVar aggregate classification (germline): Uncertain significance (1 of 4 stars; one submission).

Conditions:
Aortic aneurysm, familial thoracic 4 (AAT4). Also called: AORTIC ANEURYSM/AORTIC DISSECTION AND PATENT DUCTUS ARTERIOSUS. Identifiers: MedGen C1851504, MONDO:0007568, OMIM 132900.

Submission:

Labcorp Genetics (formerly Invitae), Labcorp
Classification: Uncertain significance for Aortic aneurysm, familial thoracic 4. Last evaluated: 2022-03-03. Review status: criteria provided, single submitter. Criteria: Invitae Variant Classification Sherloc (09022015). Collection method: clinical testing. Allele origin: germline.
Comment: This sequence change replaces proline, which is neutral and non-polar, with alanine, which is neutral and non-polar, at codon 680 of the MYH11 protein (p.Pro680Ala). This variant is not present in population databases (gnomAD no frequency). This variant has not been reported in the literature in individuals affected with MYH11-related conditions. ClinVar contains an entry for this variant (Variation ID: 566668). Algorithms developed to predict the effect of missense changes on protein structure and function (SIFT, PolyPhen-2, Align-GVGD) all suggest that this variant is likely to be disruptive. In summary, the available evidence is currently insufficient to determine the role of this variant in disease. Therefore, it has been classified as a Variant of Uncertain Significance.

NM_002474.3(MYH11):c.2017C>G (p.Pro673Ala)

Gene: MYH11 (myosin heavy chain 11; minus strand). Cytogenetic location: 16p13.11.
Variant type: single nucleotide variant.
Coding change: c.2017C>G on transcript NM_002474.3 (MANE Select); coding-DNA position 2017, C replaced by G.
Protein change: p.Pro673Ala; replaces proline 673 with alanine.
Molecular consequence: missense variant.
Genome position (GRCh38, 1-based): chr16:15,750,179, G>C on the plus strand (C>G on the coding strand, the complement: MYH11 is on the minus strand). VCF-style: chr16-15750179-G-C. GRCh37 (hg19) VCF-style: chr16-15844036-G-C.
Other names: c.2038C>G, p.Pro680Ala (NM_001040113.2, NM_001040114.2); c.2017C>G, p.Pro673Ala (NM_022844.3); short protein forms P680A, P673A.
Identifiers: ClinVar variation 566668 (VCV000566668.8), dbSNP rs1567726659, ClinGen allele CA394868902.